The following is an entry in ClinVar:

ClinVar aggregate classification (germline): Uncertain significance (1 of 4 stars; one submission).

Allele frequency attached by ClinVar (database versions not stated): TOPMed 0.00003; gnomAD 0.00013; ExAC 0.00037; 1000 Genomes Project 30x 0.00094; 1000 Genomes Project 0.00120.
gnomAD v4.1: 222 of 1,614,132 alleles (0.014%); highest among the groups gnomAD compares: South Asian, 0.23%; no homozygotes.

Submission:

CeGaT Center for Human Genetics Tuebingen
Classification: Uncertain significance. Last evaluated: 2022-07-01. Review status: criteria provided, single submitter. Criteria: CeGaT Center For Human Genetics Tuebingen Variant Classification Criteria Version 2. Collection method: clinical testing. Allele origin: germline. Affected: yes. Observed: 1 variant allele.
Comment: ERCC6: PM2, BP4

NM_001277058.2(ERCC6):c.2362A>G (p.Thr788Ala)

Genes: ERCC6 (ERCC excision repair 6, chromatin remodeling factor; minus strand), PGBD3 (piggyBac transposable element derived 3; minus strand). Cytogenetic location: 10q11.23.
Variant type: single nucleotide variant.
Coding change: c.2362A>G on transcript NM_001277058.2 (MANE Plus Clinical); coding-DNA position 2362, A replaced by G.
Protein change: p.Thr788Ala; replaces threonine 788 with alanine.
Molecular consequence: missense variant. On other transcripts: intron variant (2).
Genome position (GRCh38, 1-based): chr10:49,516,157, T>C on the plus strand (A>G on the coding strand, the complement: ERCC6 is on the minus strand). VCF-style: chr10-49516157-T-C. GRCh37 (hg19) VCF-style: chr10-50724203-T-C.
Other names: c.2362A>G, p.Thr788Ala (NM_001277059.2); c.958A>G, p.Thr320Ala (NM_170753.3); c.1397+7876A>G (NM_001346440.2, NM_000124.4); short protein forms T320A, T788A.
Identifiers: ClinVar variation 2640454 (VCV002640454.24), dbSNP rs539394408, ClinGen allele CA5496157.